The following is an entry in ClinVar:

ClinVar aggregate classification (germline): Conflicting classifications of pathogenicity. Review status: criteria provided, conflicting classifications (1 of 4 stars). 4 submissions from 4 submitters: Uncertain significance (1); Likely benign (3). Last evaluated 2026-01-09.

Conditions:
Neuronal ceroid lipofuscinosis 5 (CLN5). Also called: CEROID LIPOFUSCINOSIS, NEURONAL, 5, VARIABLE AGE AT ONSET; Neuronal ceroid lipofuscinosis Finnish variant; NEURONAL CEROID LIPOFUSCINOSIS, LATE INFANTILE, FINNISH VARIANT; CLN5-Related Neuronal Ceroid-Lipofuscinosis. Identifiers: Orphanet 168491, Orphanet 228360, MedGen C1850442, MONDO:0009745, OMIM 256731.
Neuronal ceroid lipofuscinosis. Also called: Neuronal Ceroid Lipofuscinoses. Identifiers: Orphanet 216, Orphanet 79263, MedGen C0027877, MONDO:0016295. Disease mechanism: loss of function.

Allele frequency attached by ClinVar (database versions not stated): gnomAD below 0.00001 and 0.00001; TOPMed below 0.00001; ExAC 0.00001; gnomAD exomes 0.00004.

Submissions (4):

Labcorp Genetics (formerly Invitae), Labcorp
Classification: Likely benign for Neuronal ceroid lipofuscinosis. Last evaluated: 2026-01-09. Review status: criteria provided, single submitter. Criteria: Invitae Variant Classification Sherloc (09022015). Collection method: clinical testing. Allele origin: germline.

Genome-Nilou Lab
Classification: Likely benign for Neuronal ceroid lipofuscinosis 5. Last evaluated: 2021-08-10. Review status: criteria provided, single submitter. Criteria: ACMG Guidelines, 2015. Collection method: clinical testing. Allele origin: germline. Affected: no.

Illumina Laboratory Services, Illumina
Classification: Uncertain significance for Neuronal ceroid lipofuscinosis 5. Last evaluated: 2018-01-13. Review status: criteria provided, single submitter. Criteria: ICSL Variant Classification Criteria 13 December 2019. Collection method: clinical testing. Allele origin: germline.

GeneDx
Classification: Likely benign. Last evaluated: 2015-12-16. Review status: criteria provided, single submitter. Criteria: GeneDx Variant Classification (06012015). Collection method: clinical testing. Allele origin: germline. Affected: yes.
Comment: This variant is considered likely benign or benign based on one or more of the following criteria: it is a conservative change, it occurs at a poorly conserved position in the protein, it is predicted to be benign by multiple in silico algorithms, and/or has population frequency not consistent with disease.

NM_006493.4(CLN5):c.566-7A>G

Gene: CLN5 (CLN5 lysosomal BMP synthase; plus strand). Cytogenetic location: 13q22.3.
Variant type: single nucleotide variant.
Coding change: c.566-7A>G on transcript NM_006493.4 (MANE Select); 7 bases into the intron before coding-DNA position 566, A replaced by G.
Molecular consequence: intron variant.
Genome position (GRCh38, 1-based): chr13:77,000,451, A>G. VCF-style: chr13-77000451-A-G. GRCh37 (hg19) VCF-style: chr13-77574586-A-G.
Other names: c.713-7A>G (LRG_692t1); c.15-7A>G (NM_001366624.2).
Identifiers: ClinVar variation 312427 (VCV000312427.19), dbSNP rs772501269, ClinGen allele CA7007230.